The following is an entry in ClinVar:

ClinVar aggregate classification (germline): Uncertain significance (1 of 4 stars; one submission).

Conditions:
Leigh syndrome (NULS). Also called: Leigh's necrotizing encephalopathy; Leigh's disease; Leigh Syndrome (mtDNA deletion); Leigh Disease; Subacute necrotizing encephalopathy; Necrotizing encephalopathy infantile subacute of Leigh. Identifiers: Orphanet 506, MedGen C2931891, MONDO:0009723, OMIM 256000.

Submission:

Wong Mito Lab, Molecular and Human Genetics, Baylor College of Medicine
Classification: Uncertain significance for Leigh syndrome. Last evaluated: 2019-10-17. Review status: criteria provided, single submitter. Criteria: Modified ACMG Guidelines (Unpublished). Collection method: clinical testing. Allele origin: germline.
Comment: The NC_012920.1:m.7922T>C (YP_003024029.1:p.Tyr113His) variant in MTCO2 gene is interpretated to be a Uncertain Significance variant based on the modified ACMG guidelines (unpublished). This variant meets the following evidence codes: BP4

NC_012920.1(MT-CO2):m.7922T>C

Gene: MT-CO2 (mitochondrially encoded cytochrome c oxidase II; plus strand).
Variant type: single nucleotide variant.
Genome position: chrM-7922-T-C.
Identifiers: ClinVar variation 692796 (VCV000692796.1), dbSNP rs1556423362, ClinGen allele CA414794257.
Genomic context (GRCh38, chrMT:7,922, plus strand): 5'-CCCTCCCTTACCATCAAATCAATTGGCCACCAATGGTACTGAACCTACGAGTACACCGAC[T>C]ACGGCGGACTAATCTTCAACTCCTACATACTTCCCCCATTATTCCTAGAACCAGGCGACC-3'